The following is an entry in ClinVar:

NM_001386393.1(PANK2):c.1112_1114del (p.Arg371_Glu372delinsGln)

Gene: PANK2 (pantothenate kinase 2; plus strand). Cytogenetic location: 20p13.
Variant type: Deletion.
Coding change: c.1112_1114del on transcript NM_001386393.1 (MANE Select); coding-DNA positions 1112 to 1114, 3 bases deleted (GAG; older notation c.1112_1114delGAG).
Protein change: p.Arg371_Glu372delinsGln.
Molecular consequence: inframe indel. On other transcripts: non-coding transcript variant (1).
Genome position (GRCh38, 1-based): chr20:3,916,956-3,916,958, GAG deleted. VCF-style (leftmost placement, unchanged base first): chr20-3916955-CGAG-C. GRCh37 (hg19) VCF-style: chr20-3897602-CGAG-C.
Other names: c.569_571del, p.Arg190_Glu191delinsGln (NM_001324191.2, NM_024960.6, NM_153640.4); c.134_136del, p.Arg45_Glu46delinsGln (NM_001324193.2); c.1442_1444del, p.Arg481_Glu482delinsGln (NM_153638.4); c.1442_1444delGAG (NM_153638.3).
Identifiers: ClinVar variation 4560 (VCV000004560.12), dbSNP rs766251466, ClinGen allele CA9750869.
Genomic context (GRCh38, chr20:3,916,955, plus strand): 5'-TTAGCAATGGGATTTTTTTTCCCCCATCACAGCTTTGGAAACATGATGAGCAAGGAGAAG[CGAG>C]AGGCTGTCAGTAAAGAGGACCTGGCCAGAGCGACTTTGATCACCATCACCAACAACATTG-3'

ClinVar aggregate classification (germline): Pathogenic/Likely pathogenic. Review status: criteria provided, multiple submitters, no conflicts (2 of 4 stars). 4 submissions from 4 submitters: Pathogenic (1); Likely pathogenic (2). 1 of the submissions does not count toward it. Last evaluated 2026-08-17.

Conditions:
PANK2-related disorder. Also called: PANK2-related condition.
Pigmentary pallidal degeneration (NBIA1). Also called: PKAN NEUROAXONAL DYSTROPHY, JUVENILE-ONSET; Pantothenate Kinase-Associated Neurodegeneration; Neurodegeneration with brain iron accumulation 1; Neuroaxonal dystrophy, late infantile; Hallervorden-Spatz disease; HARP SYNDROME. Identifiers: Orphanet 157850, MedGen C0018523, MONDO:0009319, OMIM 234200.

Allele frequency attached by ClinVar (database versions not stated): TOPMed 0.00001; gnomAD 0.00003; gnomAD exomes 0.00003 and 0.00004; ExAC 0.00004.

Submissions (4):

PreventionGenetics, part of Exact Sciences
Classification: Likely pathogenic for PANK2-related condition. Last evaluated: 2026-08-17. Review status: criteria provided, single submitter. Criteria: ACMG Guidelines, 2015. Collection method: clinical testing. Allele origin: germline.
Comment: The PANK2 c.1442_1444delGAG variant is predicted to result in an in-frame deletion (p.Arg481_Glu482delinsGln). This variant has been reported in the homozygous and compound heterozygous state in several individuals with pantothenate kinase-associated neurodegeneration and is suggested to be a founder variant in the Dutch population (Hartig et al. 2006. PubMed ID: 16437574; Reported as 1142_1144delGAG;delArg371-Glu372insGln in Rump et al. 2005. PubMed ID: 16240131). This variant is reported in 0.0077% of alleles in individuals of European (non-Finnish) descent in gnomAD. This variant is interpreted as likely pathogenic.

Labcorp Genetics (formerly Invitae), Labcorp
Classification: Pathogenic for Pigmentary pallidal degeneration. Last evaluated: 2023-12-06. Review status: criteria provided, single submitter. Criteria: Invitae Variant Classification Sherloc (09022015). Collection method: clinical testing. Allele origin: germline.
Comment: This variant, c.1442_1444del, is a complex sequence change that results in the deletion of 2 and insertion of 1 amino acid(s) in the PANK2 protein (p.Arg481_Glu482delinsGln). This variant is present in population databases (rs766251466, gnomAD 0.008%). This variant has been observed in individual(s) with pantothenate kinase-associated neurodegeneration (PMID: 16240131, 16437574). In at least one individual the data is consistent with being in trans (on the opposite chromosome) from a pathogenic variant. It has also been observed to segregate with disease in related individuals. ClinVar contains an entry for this variant (Variation ID: 4560). Experimental studies and prediction algorithms are not available or were not evaluated, and the functional significance of this variant is currently unknown. For these reasons, this variant has been classified as Pathogenic.

GeneDx
Classification: Likely pathogenic. Last evaluated: 2019-07-19. Review status: criteria provided, single submitter. Criteria: GeneDx Variant Classification Process June 2021. Collection method: clinical testing. Allele origin: germline. Affected: yes.
Comment: In-frame deletion of 2 amino acids and insertion of 1 incorrect amino acid in a non-repeat region; Not observed at a significant frequency in large population cohorts (Lek et al., 2016); In silico analysis, which includes protein predictors and evolutionary conservation, supports a deleterious effect; This variant is associated with the following publications: (PMID: 16437574, 16240131)

OMIM
Classification: Pathogenic for NEURODEGENERATION WITH BRAIN IRON ACCUMULATION 1. Last evaluated: 2005-12-01. Review status: no assertion criteria provided. Collection method: literature only. Allele origin: germline. Not counted in ClinVar's aggregate classification.

Literature cited by the submitters: PubMed 16240131 (cited by Labcorp Genetics (formerly Invitae), Labcorp and OMIM); PubMed 16437574 (cited by Labcorp Genetics (formerly Invitae), Labcorp).